The following is an entry in ClinVar:

NM_024675.4(PALB2):c.2645G>C (p.Cys882Ser)

Gene: PALB2 (partner and localizer of BRCA2; minus strand). Cytogenetic location: 16p12.2.
Variant type: single nucleotide variant.
Coding change: c.2645G>C on transcript NM_024675.4 (MANE Select); coding-DNA position 2645, G replaced by C.
Protein change: p.Cys882Ser; replaces cysteine 882 with serine.
Molecular consequence: missense variant.
Genome position (GRCh38, 1-based): chr16:23,626,339, C>G on the plus strand (G>C on the coding strand, the complement: PALB2 is on the minus strand). VCF-style: chr16-23626339-C-G. GRCh37 (hg19) VCF-style: chr16-23637660-C-G.
Other names: short protein forms C882S.
Identifiers: ClinVar variation 924364 (VCV000924364.3), dbSNP rs45486906, ClinGen allele CA395122139.

ClinVar aggregate classification (germline): Uncertain significance (1 of 4 stars; one submission).

Conditions:
Hereditary cancer-predisposing syndrome. Also called: Neoplastic Syndromes, Hereditary; Tumor predisposition; Hereditary Cancer Syndrome; Hereditary neoplastic syndrome. Identifiers: Orphanet 140162, MedGen C0027672, MeSH D009386, MONDO:0015356.

Submission:

Color Diagnostics, LLC DBA Color Health
Classification: Uncertain significance for Hereditary cancer-predisposing syndrome. Last evaluated: 2019-08-15. Review status: criteria provided, single submitter. Criteria: ACMG Guidelines, 2015. Collection method: clinical testing. Allele origin: germline.
Comment: This missense variant replaces cysteine with serine at codon 882 of the PALB2 protein. Computational prediction tools and conservation analyses suggest that this variant may not impact the protein function. Computational splicing tools suggest that this variant may not impact RNA splicing. To our knowledge, functional assays have not been performed for this variant nor has this variant been reported in individuals affected with hereditary cancer in the literature. This variant has not been identified in the general population by the Genome Aggregation Database (gnomAD). Available evidence is insufficient to determine the role of this variant in disease conclusively. Therefore, this variant is classified as a Variant of Uncertain Significance.